The following is an entry in ClinVar:

NM_004453.4(ETFDH):c.524G>C (p.Arg175Pro)

Gene: ETFDH (electron transfer flavoprotein dehydrogenase; plus strand). Cytogenetic location: 4q32.1.
Variant type: single nucleotide variant.
Coding change: c.524G>C on transcript NM_004453.4 (MANE Select); coding-DNA position 524, G replaced by C.
Protein change: p.Arg175Pro; replaces arginine 175 with proline.
Molecular consequence: missense variant.
Genome position (GRCh38, 1-based): chr4:158,685,137, G>C. VCF-style: chr4-158685137-G-C. GRCh37 (hg19) VCF-style: chr4-159606289-G-C.
Other names: p.R175P:CGC>CCC; c.383G>C, p.Arg128Pro (NM_001281737.2); c.341G>C, p.Arg114Pro (NM_001281738.1); short protein forms R175P, R128P, R114P.
Identifiers: ClinVar variation 203713 (VCV000203713.3), dbSNP rs121964955, ClinGen allele CA312525.

ClinVar aggregate classification (germline): Conflicting classifications of pathogenicity. Review status: criteria provided, conflicting classifications (1 of 4 stars). 2 submissions from 2 submitters: Pathogenic (1); Uncertain significance (1). Last evaluated 2024-07-29.

Submissions (2):

Women's Health and Genetics/Laboratory Corporation of America, LabCorp
Classification: Uncertain significance. Last evaluated: 2024-07-29. Review status: criteria provided, single submitter. Criteria: LabCorp Variant Classification Summary - May 2015. Collection method: clinical testing. Allele origin: germline.
Comment: Variant summary: ETFDH c.524G>C (p.Arg175Pro) results in a non-conservative amino acid change in the encoded protein sequence. Five of five in-silico tools predict a damaging effect of the variant on protein function. The variant was absent in 251342 control chromosomes. The available data on variant occurrences in the general population are insufficient to allow any conclusion about variant significance. To our knowledge, no occurrence of c.524G>C in individuals affected with Glutaric Aciduria, Type 2c and no experimental evidence demonstrating its impact on protein function have been reported. ClinVar contains an entry for this variant (Variation ID: 203713). Based on the evidence outlined above, the variant was classified as uncertain significance.

GeneDx
Classification: Pathogenic. Last evaluated: 2014-04-09. Review status: criteria provided, single submitter. Criteria: GeneDx Variant Classification (06012015). Collection method: clinical testing. Allele origin: germline. Affected: yes.
Comment: p.Arg175Pro (CGC>CCC): c.524 G>C in exon 5 of the ETFDH gene (NM_004453.2). R175P mutation was identified in the ETFDH gene. It has not been published as a mutation, nor has it been reported as a benign polymorphism to our knowledge. The R175P variant is a non-conservative amino acid substitution, which is likely to impact secondary protein structure as these residues differ in polarity, charge, size and/or other properties. This substitution occurs at a position that is highly conserved across species. In silico analysis predicts this variant is probably damaging to the protein structure/function. Missense mutations at the same position (R175L, R175H) have been reported in association with glutaric aciduria type II (GAII), supporting the functional importance of this region of the protein. Therefore, we interpret R175P to be a pathogenic mutation. The variant is found in MITONUC-MITOP panel(s).